The following is an entry in ClinVar:

NM_000135.4(FANCA):c.1362C>G (p.Ala454=)

Gene: FANCA (FA complementation group A; minus strand). Cytogenetic location: 16q24.3.
Variant type: single nucleotide variant.
Coding change: c.1362C>G on transcript NM_000135.4 (MANE Select); coding-DNA position 1362, C replaced by G.
Protein change: p.Ala454=; no amino-acid change (alanine 454 retained).
Molecular consequence: synonymous variant.
Genome position (GRCh38, 1-based): chr16:89,784,962, G>C on the plus strand (C>G on the coding strand, the complement: FANCA is on the minus strand). VCF-style: chr16-89784962-G-C. GRCh37 (hg19) VCF-style: chr16-89851370-G-C.
Other names: c.1362C>G, p.Ala454= (NM_001286167.3).
Identifiers: ClinVar variation 4532856 (VCV004532856.1).
Genomic context (GRCh38, chr16:89,784,962, plus strand): 5'-AAACAGGAAGACCAGGGCCTTCTTGCTGCAGCCATGGTAGCCTCGTGTGCTCCCAAAGGA[G>C]GCCTGTGTGGAGAGAAGAGCGTGAAGCCCAGGACAGCCAGGCGCGGCTGCACCACCTAGG-3'
Protein context (NP_000126.2, residues 444-464): AFLSYADWFK[Ala454=]SFGSTRGYHG

ClinVar aggregate classification (germline): Uncertain significance (1 of 4 stars; one submission).

Submission:

Quest Diagnostics Nichols Institute San Juan Capistrano
Classification: Uncertain significance. Last evaluated: 2025-07-24. Review status: criteria provided, single submitter. Criteria: Quest Diagnostics criteria. Collection method: clinical testing. Allele origin: unknown.
Comment: The FANCA c.1362C>G (p.Ala454=) synonymous variant has not been reported in individuals with FANCA-related conditions in the published literature. It also has not been reported in large, multi-ethnic general populations (Genome Aggregation Database). Analysis of this variant using software algorithms for the prediction of the effect of nucleotide changes on splicing yielded predictions that this variant does not affect FANCA mRNA splicing. Based on the available information, we are unable to determine the clinical significance of this variant.